The following is an entry in ClinVar:

ClinVar aggregate classification (germline): Uncertain significance (1 of 4 stars; one submission).

Allele frequency attached by ClinVar (database versions not stated): gnomAD exomes below 0.00001 and 0.00002.
gnomAD v4.1: 26 of 1,614,164 alleles (0.0016%); highest among the groups gnomAD compares: Non-Finnish European, 0.0021%; no homozygotes.

Submission:

Labcorp Genetics (formerly Invitae), Labcorp
Classification: Uncertain significance. Last evaluated: 2020-10-14. Review status: criteria provided, single submitter. Criteria: Invitae Variant Classification Sherloc (09022015). Collection method: clinical testing. Allele origin: germline.
Comment: This variant has not been reported in the literature in individuals with TNFSF11-related conditions. This variant is not present in population databases (ExAC no frequency). This sequence change replaces tyrosine with cysteine at codon 88 of the TNFSF11 protein (p.Tyr88Cys). The tyrosine residue is weakly conserved and there is a large physicochemical difference between tyrosine and cysteine. Algorithms developed to predict the effect of missense changes on protein structure and function are either unavailable or do not agree on the potential impact of this missense change (SIFT: "Deleterious"; PolyPhen-2: "Benign"; Align-GVGD: "Class C0"). In summary, the available evidence is currently insufficient to determine the role of this variant in disease. Therefore, it has been classified as a Variant of Uncertain Significance.

NM_003701.4(TNFSF11):c.263A>G (p.Tyr88Cys)

Genes: TNFSF11 (TNF superfamily member 11; plus strand), LOC126861752 (BRD4-independent group 4 enhancer GRCh37_chr13:43155073-43156272; plus strand). Cytogenetic location: 13q14.11.
Variant type: single nucleotide variant.
Coding change: c.263A>G on transcript NM_003701.4 (MANE Select); coding-DNA position 263, A replaced by G.
Protein change: p.Tyr88Cys; replaces tyrosine 88 with cysteine.
Molecular consequence: missense variant.
Genome position (GRCh38, 1-based): chr13:42,581,169, A>G. VCF-style: chr13-42581169-A-G. GRCh37 (hg19) VCF-style: chr13-43155305-A-G.
Other names: c.44A>G, p.Tyr15Cys (NM_033012.4); short protein forms Y15C, Y88C.
Identifiers: ClinVar variation 1012150 (VCV001012150.9), dbSNP rs747449633, ClinGen allele CA249050463.